The following is an entry in ClinVar:

NM_000540.3(RYR1):c.12496G>A (p.Ala4166Thr)

Gene: RYR1 (ryanodine receptor 1; plus strand). Cytogenetic location: 19q13.2.
Variant type: single nucleotide variant.
Coding change: c.12496G>A on transcript NM_000540.3 (MANE Select); coding-DNA position 12496, G replaced by A.
Protein change: p.Ala4166Thr; replaces alanine 4166 with threonine.
Molecular consequence: missense variant.
Genome position (GRCh38, 1-based): chr19:38,561,326, G>A. VCF-style: chr19-38561326-G-A. GRCh37 (hg19) VCF-style: chr19-39051966-G-A.
Other names: c.12481G>A, p.Ala4161Thr (NM_001042723.2); short protein forms A4161T, A4166T.
Identifiers: ClinVar variation 4755711 (VCV004755711.1).

ClinVar aggregate classification (germline): Uncertain significance (1 of 4 stars; one submission).

gnomAD v4.1: 4 of 1,613,862 alleles (0.00025%); highest among the groups gnomAD compares: African/African-American, 0.0053%; no homozygotes.

Submission:

GeneDx
Classification: Uncertain significance. Last evaluated: 2025-08-08. Review status: criteria provided, single submitter. Criteria: GeneDx Variant Classification Process June 2021. Collection method: clinical testing. Allele origin: germline. Affected: yes.
Comment: Not observed at significant frequency in large population cohorts (gnomAD); In silico analysis supports that this missense variant has a deleterious effect on protein structure/function; Has not been previously published as pathogenic or benign to our knowledge